The following is an entry in ClinVar:

NM_024490.4(ATP10A):c.3417G>A (p.Gly1139=)

Gene: ATP10A (ATPase phospholipid transporting 10A (putative); minus strand). Cytogenetic location: 15q12.
Variant type: single nucleotide variant.
Coding change: c.3417G>A on transcript NM_024490.4 (MANE Select); coding-DNA position 3417, G replaced by A.
Protein change: p.Gly1139=; no amino-acid change (glycine 1139 retained).
Molecular consequence: synonymous variant.
Genome position (GRCh38, 1-based): chr15:25,683,361, C>T on the plus strand (G>A on the coding strand, the complement: ATP10A is on the minus strand). VCF-style: chr15-25683361-C-T. GRCh37 (hg19) VCF-style: chr15-25928508-C-T.
Identifiers: ClinVar variation 709276 (VCV000709276.6), dbSNP rs142960034, ClinGen allele CA7436128.

ClinVar aggregate classification (germline): Benign. Review status: criteria provided, multiple submitters, no conflicts (2 of 4 stars). 3 submissions from 3 submitters: Benign (2). 1 of the submissions does not count toward it. Last evaluated 2018-07-06.

Conditions:
ATP10A-related disorder. Also called: ATP10A-related condition.

Allele frequency attached by ClinVar (database versions not stated): gnomAD 0.00398 and 0.00437; TOPMed 0.00457; ESP Exome Variant Server 0.00484; gnomAD exomes 0.00037 and 0.00103; ExAC 0.00123; 1000 Genomes Project 0.00379; 1000 Genomes Project 30x 0.00390.
gnomAD v4.1: 1,174 of 1,614,058 alleles (0.073%); highest among the groups gnomAD compares: African/African-American, 1.4%; 8 homozygotes.

Submissions (3):

Labcorp Genetics (formerly Invitae), Labcorp
Classification: Benign. Last evaluated: 2018-07-06. Review status: criteria provided, single submitter. Criteria: Invitae Variant Classification Sherloc (09022015). Collection method: clinical testing. Allele origin: germline.

Breakthrough Genomics
Classification: Benign. Review status: criteria provided, single submitter. Criteria: ACMG Guidelines, 2015. Collection method: not provided. Allele origin: germline. Inheritance: Unknown mechanism. Affected: yes.

PreventionGenetics, part of Exact Sciences
Classification: Benign for ATP10A-related condition. Last evaluated: 2019-12-24. Review status: no assertion criteria provided. Collection method: clinical testing. Allele origin: germline. Not counted in ClinVar's aggregate classification.
Comment: This variant is classified as benign based on ACMG/AMP sequence variant interpretation guidelines (Richards et al. 2015 PMID: 25741868, with internal and published modifications).